The following is an entry in ClinVar:

ClinVar aggregate classification (germline): Uncertain significance (1 of 4 stars; one submission).

Conditions:
Inborn genetic diseases. Identifiers: MedGen C0950123, MeSH D030342.

gnomAD v4.1: 2 of 1,538,414 alleles (0.00013%); highest among the groups gnomAD compares: African/African-American, 0.0027%; no homozygotes.

Submission:

Ambry Genetics
Classification: Uncertain significance for Inborn genetic diseases. Last evaluated: 2026-07-02. Review status: criteria provided, single submitter. Criteria: Ambry Variant Classification Scheme 2023. Collection method: clinical testing. Allele origin: germline.
Comment: The p.D4262V variant (also known as c.12785A>T), located in coding exon 91 of the RYR1 gene, results from an A to T substitution at nucleotide position 12785. The aspartic acid at codon 4262 is replaced by valine, an amino acid with highly dissimilar properties. This amino acid position is conserved. In addition, the in silico prediction for this alteration is inconclusive. Based on the available evidence, the clinical significance of this variant remains unclear.

NM_000540.3(RYR1):c.12785A>T (p.Asp4262Val)

Gene: RYR1 (ryanodine receptor 1; plus strand). Cytogenetic location: 19q13.2.
Variant type: single nucleotide variant.
Coding change: c.12785A>T on transcript NM_000540.3 (MANE Select); coding-DNA position 12785, A replaced by T.
Protein change: p.Asp4262Val; replaces aspartic acid 4262 with valine.
Molecular consequence: missense variant.
Genome position (GRCh38, 1-based): chr19:38,565,119, A>T. VCF-style: chr19-38565119-A-T. GRCh37 (hg19) VCF-style: chr19-39055759-A-T.
Other names: c.12770A>T, p.Asp4257Val (NM_001042723.2); short protein forms D4257V, D4262V.
Identifiers: ClinVar variation 5028617 (VCV005028617.1).